The following is an entry in ClinVar:

NM_000256.3(MYBPC3):c.1625-29G>A

Gene: MYBPC3 (myosin binding protein C3; minus strand). Cytogenetic location: 11p11.2.
Variant type: single nucleotide variant.
Coding change: c.1625-29G>A on transcript NM_000256.3 (MANE Select); 29 bases into the intron before coding-DNA position 1625, G replaced by A.
Molecular consequence: intron variant.
Genome position (GRCh38, 1-based): chr11:47,342,185, C>T on the plus strand (G>A on the coding strand, the complement: MYBPC3 is on the minus strand). VCF-style: chr11-47342185-C-T. GRCh37 (hg19) VCF-style: chr11-47363736-C-T.
Identifiers: ClinVar variation 1168802 (VCV001168802.12), dbSNP rs117125624, ClinGen allele CA078229.

ClinVar aggregate classification (germline): Benign/Likely benign. Review status: criteria provided, multiple submitters, no conflicts (2 of 4 stars). 3 submissions from 3 submitters: Benign (2); Likely benign (1). Last evaluated 2025-12-15.

Conditions:
Hypertrophic cardiomyopathy. Also called: HYPERTROPHIC MYOCARDIOPATHY. Identifiers: Orphanet 217569, MedGen C0007194, MeSH D002312, MONDO:0005045, HP:0001639.

Allele frequency attached by ClinVar (database versions not stated): 1000 Genomes Project 0.00180; 1000 Genomes Project 30x 0.00156.
gnomAD v4.1: 275 of 1,609,106 alleles (0.017%); highest among the groups gnomAD compares: East Asian, 0.6%; 2 homozygotes.

Submissions (3):

Labcorp Genetics (formerly Invitae), Labcorp
Classification: Benign for Hypertrophic cardiomyopathy. Last evaluated: 2025-12-15. Review status: criteria provided, single submitter. Criteria: Invitae Variant Classification Sherloc (09022015). Collection method: clinical testing. Allele origin: germline.

ARUP Laboratories, Molecular Genetics and Genomics, ARUP Laboratories
Classification: Benign. Last evaluated: 2025-02-14. Review status: criteria provided, single submitter. Criteria: ARUP Molecular Germline Variant Investigation Process 2024. Collection method: clinical testing. Allele origin: germline.

GeneDx
Classification: Likely benign. Last evaluated: 2021-04-20. Review status: criteria provided, single submitter. Criteria: GeneDx Variant Classification Process June 2021. Collection method: clinical testing. Allele origin: germline. Affected: yes.
Comment: This variant is associated with the following publications: (PMID: 28679633)